The following is an entry in ClinVar:

ClinVar aggregate classification (germline): Uncertain significance. Review status: criteria provided, multiple submitters, no conflicts (2 of 4 stars). 4 submissions from 4 submitters: Uncertain significance (4). Last evaluated 2025-12-16.

Conditions:
Age related macular degeneration 1 (ARMD1). Also called: MACULOPATHY, AGE-RELATED, 1. Identifiers: MedGen C1864205, MONDO:0011285, OMIM 603075.

Allele frequency attached by ClinVar (database versions not stated): TOPMed 0.00005; gnomAD 0.00006 and 0.00007; ExAC 0.00007; gnomAD exomes 0.00009 and 0.00013.
gnomAD v4.1: 196 of 1,613,872 alleles (0.012%); highest among the groups gnomAD compares: Non-Finnish European, 0.016%; no homozygotes.

Submissions (4):

Ambry Genetics
Classification: Uncertain significance. Last evaluated: 2025-12-16. Review status: criteria provided, single submitter. Criteria: Ambry Variant Classification Scheme 2023. Collection method: clinical testing. Allele origin: germline.

Labcorp Genetics (formerly Invitae), Labcorp
Classification: Uncertain significance. Last evaluated: 2025-02-03. Review status: criteria provided, single submitter. Criteria: Invitae Variant Classification Sherloc (09022015). Collection method: clinical testing. Allele origin: germline.
Comment: This sequence change replaces threonine, which is neutral and polar, with asparagine, which is neutral and polar, at codon 552 of the HMCN1 protein (p.Thr552Asn). This variant is present in population databases (rs200601125, gnomAD 0.02%). This variant has not been reported in the literature in individuals affected with HMCN1-related conditions. ClinVar contains an entry for this variant (Variation ID: 875444). An algorithm developed to predict the effect of missense changes on protein structure and function (PolyPhen-2) suggests that this variant is likely to be disruptive. In summary, the available evidence is currently insufficient to determine the role of this variant in disease. Therefore, it has been classified as a Variant of Uncertain Significance.

Genome-Nilou Lab
Classification: Uncertain significance for Age related macular degeneration 1. Last evaluated: 2023-04-11. Review status: criteria provided, single submitter. Criteria: ACMG Guidelines, 2015. Collection method: clinical testing. Allele origin: germline. Affected: no.

Illumina Laboratory Services, Illumina
Classification: Uncertain significance for Age related macular degeneration 1. Last evaluated: 2018-03-02. Review status: criteria provided, single submitter. Criteria: ICSL Variant Classification Criteria 13 December 2019. Collection method: clinical testing. Allele origin: germline.

NM_031935.3(HMCN1):c.1655C>A (p.Thr552Asn)

Gene: HMCN1 (hemicentin 1; plus strand). Cytogenetic location: 1q31.1.
Variant type: single nucleotide variant.
Coding change: c.1655C>A on transcript NM_031935.3 (MANE Select); coding-DNA position 1655, C replaced by A.
Protein change: p.Thr552Asn; replaces threonine 552 with asparagine.
Molecular consequence: missense variant.
Genome position (GRCh38, 1-based): chr1:185,933,651, C>A. VCF-style: chr1-185933651-C-A. GRCh37 (hg19) VCF-style: chr1-185902783-C-A.
Other names: short protein forms T552N.
Identifiers: ClinVar variation 875444 (VCV000875444.13), dbSNP rs200601125, ClinGen allele CA1291180.